The following is an entry in ClinVar:

ClinVar aggregate classification (germline): Uncertain significance. Review status: criteria provided, single submitter (1 of 4 stars). 2 submissions from 2 submitters: Uncertain significance (1). 1 of the submissions does not count toward it. Last evaluated 2021-08-31.

Conditions:
Schimke immuno-osseous dysplasia (SIOD). Also called: Schimke Immunoosseous Dysplasia. Identifiers: Orphanet 1830, MedGen C0877024, MONDO:0009458, OMIM 242900.

Allele frequency attached by ClinVar (database versions not stated): gnomAD exomes below 0.00001.
gnomAD v4.1: 7 of 1,614,222 alleles (0.00043%); highest among the groups gnomAD compares: Non-Finnish European, 0.00059%; no homozygotes.

Submissions (2):

Labcorp Genetics (formerly Invitae), Labcorp
Classification: Uncertain significance for Schimke immuno-osseous dysplasia. Last evaluated: 2021-08-31. Review status: criteria provided, single submitter. Criteria: Invitae Variant Classification Sherloc (09022015). Collection method: clinical testing. Allele origin: germline.
Comment: This sequence change replaces serine with leucine at codon 226 of the SMARCAL1 protein (p.Ser226Leu). The serine residue is weakly conserved and there is a large physicochemical difference between serine and leucine. This variant is not present in population databases (ExAC no frequency). This variant has not been reported in the literature in individuals affected with SMARCAL1-related conditions. Algorithms developed to predict the effect of missense changes on protein structure and function output the following: SIFT: "Tolerated"; PolyPhen-2: "Benign"; Align-GVGD: "Class C0". The leucine amino acid residue is found in multiple mammalian species, which suggests that this missense change does not adversely affect protein function. In summary, the available evidence is currently insufficient to determine the role of this variant in disease. Therefore, it has been classified as a Variant of Uncertain Significance.

Natera, Inc.
Classification: Uncertain significance for Schimke immuno-osseous dysplasia. Last evaluated: 2021-07-07. Review status: no assertion criteria provided. Collection method: clinical testing. Allele origin: germline. Not counted in ClinVar's aggregate classification.

NM_014140.4(SMARCAL1):c.677C>T (p.Ser226Leu)

Gene: SMARCAL1 (SNF2 related chromatin remodeling annealing helicase 1; plus strand). Cytogenetic location: 2q35.
Variant type: single nucleotide variant.
Coding change: c.677C>T on transcript NM_014140.4 (MANE Select); coding-DNA position 677, C replaced by T.
Protein change: p.Ser226Leu; replaces serine 226 with leucine.
Molecular consequence: missense variant.
Genome position (GRCh38, 1-based): chr2:216,415,381, C>T. VCF-style: chr2-216415381-C-T. GRCh37 (hg19) VCF-style: chr2-217280104-C-T.
Other names: c.677C>T, p.Ser226Leu (NM_001127207.2); short protein forms S226L.
Identifiers: ClinVar variation 840659 (VCV000840659.9), dbSNP rs1693572522, ClinGen allele CA350497814.